The following is an entry in ClinVar:

ClinVar aggregate classification (germline): Pathogenic (1 of 4 stars; one submission).

Conditions:
Cornelia de Lange syndrome 1 (CDLS1). Also called: TYPUS DEGENERATIVUS AMSTELODAMENSIS; Brachmann de Lange syndrome; NIPBL-Related Cornelia de Lange Syndrome. Identifiers: Orphanet 199, MedGen C4551851, MONDO:0007387, OMIM 122470.

Submission:

Labcorp Genetics (formerly Invitae), Labcorp
Classification: Pathogenic for Cornelia de Lange syndrome 1. Last evaluated: 2024-09-16. Review status: criteria provided, single submitter. Criteria: Invitae Variant Classification Sherloc (09022015). Collection method: clinical testing. Allele origin: germline.
Comment: This sequence change falls in intron 36 of the NIPBL gene. It does not directly change the encoded amino acid sequence of the NIPBL protein. RNA analysis indicates that this variant induces altered splicing and may result in an absent or altered protein product. This variant is not present in population databases (gnomAD no frequency). This variant has been observed in individual(s) with Cornelia de Lange syndrome (PMID: 26925417). In at least one individual the variant was observed to be de novo. Studies have shown that this variant results in deletion of exon 37, and produces a non-functional protein and/or introduces a premature termination codon (PMID: 26925417). For these reasons, this variant has been classified as Pathogenic.

Literature cited by the submitters: PubMed 26925417.

NM_133433.4(NIPBL):c.6344-9_6344-4del

Gene: NIPBL (NIPBL cohesin loading factor; plus strand). Cytogenetic location: 5p13.2.
Variant type: Deletion.
Coding change: c.6344-9_6344-4del on transcript NM_133433.4 (MANE Select); 9 bases into the intron before coding-DNA position 6344 through 4 bases into the intron before coding-DNA position 6344, 6 bases deleted (CTTTAT; older notation c.6344-9_6344-4delCTTTAT).
Molecular consequence: intron variant.
Genome position (GRCh38, 1-based): chr5:37,045,434-37,045,439, CTTTAT deleted; deleting any 6 consecutive bases within chr5:37,045,430-37,045,439 gives the same sequence; the c. name uses the placement nearest the transcript's 3' end. VCF-style (leftmost placement, unchanged base first): chr5-37045429-CTTATCT-C. GRCh37 (hg19) VCF-style: chr5-37045531-CTTATCT-C.
Other names: c.6344-9_6344-4del (NM_015384.5).
Identifiers: ClinVar variation 3666435 (VCV003666435.2).